The following is an entry in ClinVar:

ClinVar aggregate classification (germline): Uncertain significance. Review status: criteria provided, multiple submitters, no conflicts (2 of 4 stars). 2 submissions from 2 submitters: Uncertain significance (2). Last evaluated 2025-01-19.

Conditions:
DICER1-related tumor predisposition. Also called: DICER1 syndrome; DICER1-related pleuropulmonary blastoma cancer predisposition syndrome. Identifiers: Orphanet 284343, MedGen C3839822, MONDO:0100216.
Hereditary cancer-predisposing syndrome. Also called: Hereditary neoplastic syndrome; Tumor predisposition; Neoplastic Syndromes, Hereditary; Hereditary Cancer Syndrome. Identifiers: Orphanet 140162, MedGen C0027672, MeSH D009386, MONDO:0015356.

Submissions (2):

Labcorp Genetics (formerly Invitae), Labcorp
Classification: Uncertain significance for DICER1-related tumor predisposition. Last evaluated: 2025-01-19. Review status: criteria provided, single submitter. Criteria: Invitae Variant Classification Sherloc (09022015). Collection method: clinical testing. Allele origin: germline.
Comment: This sequence change replaces alanine, which is neutral and non-polar, with valine, which is neutral and non-polar, at codon 1914 of the DICER1 protein (p.Ala1914Val). This variant is not present in population databases (gnomAD no frequency). This variant has not been reported in the literature in individuals affected with DICER1-related conditions. ClinVar contains an entry for this variant (Variation ID: 1718434). Invitae Evidence Modeling of protein sequence and biophysical properties (such as structural, functional, and spatial information, amino acid conservation, physicochemical variation, residue mobility, and thermodynamic stability) indicates that this missense variant is not expected to disrupt DICER1 protein function with a negative predictive value of 95%. In summary, the available evidence is currently insufficient to determine the role of this variant in disease. Therefore, it has been classified as a Variant of Uncertain Significance.

Ambry Genetics
Classification: Uncertain significance for Hereditary cancer-predisposing syndrome. Last evaluated: 2024-06-13. Review status: criteria provided, single submitter. Criteria: Ambry Variant Classification Scheme 2023. Collection method: clinical testing. Allele origin: germline.
Comment: The p.A1914V variant (also known as c.5741C>T), located in coding exon 26 of the DICER1 gene, results from a C to T substitution at nucleotide position 5741. The alanine at codon 1914 is replaced by valine, an amino acid with similar properties. This amino acid position is highly conserved in available vertebrate species. In addition, the in silico prediction for this alteration is inconclusive. Based on the available evidence, the clinical significance of this variant remains unclear.

NM_177438.3(DICER1):c.5741C>T (p.Ala1914Val)

Gene: DICER1 (dicer 1, ribonuclease III; minus strand). Cytogenetic location: 14q32.13.
Variant type: single nucleotide variant.
Coding change: c.5741C>T on transcript NM_177438.3 (MANE Select); coding-DNA position 5741, C replaced by T.
Protein change: p.Ala1914Val; replaces alanine 1914 with valine.
Molecular consequence: missense variant. On other transcripts: non-coding transcript variant (6), 3 prime UTR variant (1).
Genome position (GRCh38, 1-based): chr14:95,090,526, G>A on the plus strand (C>T on the coding strand, the complement: DICER1 is on the minus strand). VCF-style: chr14-95090526-G-A. GRCh37 (hg19) VCF-style: chr14-95556863-G-A.
Other names: c.5741C>T, p.Ala1914Val (NM_001291628.2, NM_001395677.1, NM_001395678.1 and 8 more transcripts); c.5459C>T, p.Ala1820Val (NM_001395686.1); c.5336C>T, p.Ala1779Val (NM_001395687.1, NM_001395688.1, NM_001395689.1 and 1 more transcripts); c.5174C>T, p.Ala1725Val (NM_001395691.1); c.4058C>T, p.Ala1353Val (NM_001395697.1); c.*88C>T (NM_001195573.1); short protein forms A1353V, A1725V, A1779V, A1820V, A1914V.
Identifiers: ClinVar variation 1718434 (VCV001718434.9), dbSNP rs2542389896, ClinGen allele CA390862961.